The following is an entry in ClinVar:

ClinVar aggregate classification (germline): Pathogenic (1 of 4 stars; one submission).

Submission:

ISCA site 4
Classification: Pathogenic. Last evaluated: 2011-08-12. Review status: criteria provided, single submitter. Criteria: Kaminsky et al. (Genet Med. 2011). Collection method: clinical testing. Allele origin: unknown. Affected: yes. Observed: 1 variant allele.
Comment: Copy number variation identified through the course of routine clinical cytogenomic testing in postnatal populations. Clinical assertions have been curated as described in Kaminsky et al. 2011.

GRCh38/hg38 13q31.3-32.1(chr13:93571649-97428965)x1

Genes: ABCC4 (ATP binding cassette subfamily C member 4 (PEL blood group); minus strand), CLDN10 (claudin 10; plus strand), CLDN10-AS1 (CLDN10 antisense RNA 1; minus strand), DCT (dopachrome tautomerase; minus strand), DNAJC3 (DnaJ heat shock protein family (Hsp40) member C3; plus strand) and 70 more. Cytogenetic location: 13q31.3-32.1.
Variant type: copy number loss.
Change: copy number 1 (one copy instead of two) of chr13:93,571,649-97,428,965 (3.86 Mb, GRCh38 coordinates, 1-based), cytogenetic band 13q31.3-32.1.
Identifiers: ClinVar variation 57681 (VCV000057681.1).